The following is an entry in ClinVar:

ClinVar aggregate classification (germline): Uncertain significance (1 of 4 stars; one submission).

Submission:

Labcorp Genetics (formerly Invitae), Labcorp
Classification: Uncertain significance. Last evaluated: 2023-04-07. Review status: criteria provided, single submitter. Criteria: Invitae Variant Classification Sherloc (09022015). Collection method: clinical testing. Allele origin: germline.
Comment: In summary, the available evidence is currently insufficient to determine the role of this variant in disease. Therefore, it has been classified as a Variant of Uncertain Significance. Advanced modeling of protein sequence and biophysical properties (such as structural, functional, and spatial information, amino acid conservation, physicochemical variation, residue mobility, and thermodynamic stability) performed at Invitae indicates that this missense variant is not expected to disrupt POLE protein function. This variant has not been reported in the literature in individuals affected with POLE-related conditions. This variant is not present in population databases (gnomAD no frequency). This sequence change replaces valine, which is neutral and non-polar, with glycine, which is neutral and non-polar, at codon 1880 of the POLE protein (p.Val1880Gly).

NM_006231.4(POLE):c.5639T>G (p.Val1880Gly)

Gene: POLE (DNA polymerase epsilon, catalytic subunit; minus strand). Cytogenetic location: 12q24.33.
Variant type: single nucleotide variant.
Coding change: c.5639T>G on transcript NM_006231.4 (MANE Select); coding-DNA position 5639, T replaced by G.
Protein change: p.Val1880Gly; replaces valine 1880 with glycine.
Molecular consequence: missense variant.
Genome position (GRCh38, 1-based): chr12:132,638,053, A>C on the plus strand (T>G on the coding strand, the complement: POLE is on the minus strand). VCF-style: chr12-132638053-A-C. GRCh37 (hg19) VCF-style: chr12-133214639-A-C.
Other names: short protein forms V1880G.
Identifiers: ClinVar variation 2853315 (VCV002853315.3), dbSNP rs1593719608, ClinGen allele CA387374023.